The following is an entry in ClinVar:

ClinVar aggregate classification (germline): Uncertain significance. Review status: criteria provided, multiple submitters, no conflicts (2 of 4 stars). 7 submissions from 7 submitters: Uncertain significance (6). 1 of the submissions does not count toward it. Last evaluated 2025-11-27.

Conditions:
Cardiovascular phenotype. Identifiers: MedGen CN230736.
Cardiomyopathy (CMYO). Also called: Cardiomyopathies. Identifiers: Orphanet 167848, MedGen C0878544, MONDO:0004994, HP:0001638. Inheritance: Various modes of inheritance.
Primary familial hypertrophic cardiomyopathy (HCM). Identifiers: Orphanet 99739, MedGen C0949658, MeSH D024741, MONDO:0024573. Inheritance: Various modes of inheritance.
Hypertrophic cardiomyopathy. Also called: HYPERTROPHIC MYOCARDIOPATHY. Identifiers: Orphanet 217569, MedGen C0007194, MeSH D002312, MONDO:0005045, HP:0001639.

Allele frequency attached by ClinVar (database versions not stated): gnomAD 0.00002 and 0.00003; gnomAD exomes 0.00002 and 0.00005; ExAC 0.00003; TOPMed 0.00004; ESP Exome Variant Server 0.00015.
gnomAD v4.1: 37 of 1,613,744 alleles (0.0023%); highest among the groups gnomAD compares: Admixed American, 0.0067%; 1 homozygote.

Submissions (7):

Labcorp Genetics (formerly Invitae), Labcorp
Classification: Uncertain significance for Hypertrophic cardiomyopathy. Last evaluated: 2025-11-27. Review status: criteria provided, single submitter. Criteria: Invitae Variant Classification Sherloc (09022015). Collection method: clinical testing. Allele origin: germline.
Comment: This sequence change replaces threonine, which is neutral and polar, with methionine, which is neutral and non-polar, at codon 1351 of the MYH7 protein (p.Thr1351Met). This variant is present in population databases (rs370403289, gnomAD 0.01%). This missense change has been observed in individual(s) with hypertrophic cardiomyopathy (PMID: 16858239). ClinVar contains an entry for this variant (Variation ID: 161324). Invitae Evidence Modeling of protein sequence and biophysical properties (such as structural, functional, and spatial information, amino acid conservation, physicochemical variation, residue mobility, and thermodynamic stability) indicates that this missense variant is not expected to disrupt MYH7 protein function with a negative predictive value of 95%. In summary, the available evidence is currently insufficient to determine the role of this variant in disease. Therefore, it has been classified as a Variant of Uncertain Significance.

Ambry Genetics
Classification: Uncertain significance for Cardiovascular phenotype. Last evaluated: 2025-04-15. Review status: criteria provided, single submitter. Criteria: Ambry Variant Classification Scheme 2023. Collection method: clinical testing. Allele origin: germline.
Comment: The p.T1351M variant (also known as c.4052C>T), located in coding exon 28 of the MYH7 gene, results from a C to T substitution at nucleotide position 4052. The threonine at codon 1351 is replaced by methionine, an amino acid with similar properties. This variant has been reported in a hypertrophic cardiomyopathy (HCM) cohort (Girolami F et al. J Cardiovasc Med (Hagerstown), 2006 Aug;7:601-7). This variant has been reported in the Framingham Heart Study cohort; however, clinical details were limited (Bick AG et al. Am J Hum Genet, 2012 Sep;91:513-9).This amino acid position is not well conserved in available vertebrate species. In addition, the in silico prediction for this alteration is inconclusive. Based on the available evidence, the clinical significance of this variant remains unclear.

Color Diagnostics, LLC DBA Color Health
Classification: Uncertain significance for Cardiomyopathy. Last evaluated: 2025-04-06. Review status: criteria provided, single submitter. Criteria: ACMG Guidelines, 2015. Collection method: clinical testing. Allele origin: germline.
Comment: This missense variant replaces threonine with methionine at codon 1351 of the MYH7 protein. Computational prediction suggests that this variant may not impact protein structure and function. To our knowledge, functional studies have not been reported for this variant. This variant has been reported in an individual affected with hypertrophic cardiomyopathy (PMID: 16858239, 18533079). This variant has been identified in 12/251344 chromosomes in the general population by the Genome Aggregation Database (gnomAD). The available evidence is insufficient to determine the role of this variant in disease conclusively. Therefore, this variant is classified as a Variant of Uncertain Significance.

Blueprint Genetics
Classification: Uncertain significance. Last evaluated: 2024-08-26. Review status: criteria provided, single submitter. Criteria: ACMG Guidelines, 2015. Collection method: clinical testing. Allele origin: germline.

All of Us Research Program, National Institutes of Health
Classification: Uncertain significance for Cardiomyopathy. Last evaluated: 2023-12-11. Review status: criteria provided, single submitter. Criteria: ACMG Guidelines, 2015. Collection method: clinical testing. Allele origin: germline. Inheritance: Autosomal dominant inheritance. Observed: 11 variant alleles, 11 heterozygotes.
Comment: This missense variant replaces threonine with methionine at codon 1351 of the MYH7 protein. Computational prediction suggests that this variant may not impact protein structure and function (internally defined REVEL score threshold <= 0.5, PMID: 27666373). To our knowledge, functional studies have not been reported for this variant. This variant has been reported in an individual affected with hypertrophic cardiomyopathy (PMID: 16858239, 18533079). This variant has been identified in 12/251344 chromosomes in the general population by the Genome Aggregation Database (gnomAD). The available evidence is insufficient to determine the role of this variant in disease conclusively. Therefore, this variant is classified as a Variant of Uncertain Significance.

This study involves interpretation of variants in research participants for the purpose of population health screening. Participant phenotype was not available at the time of variant classification. Additional details can be found in publication PMID: 35346344, PMCID: PMC8962531

CHEO Genetics Diagnostic Laboratory, Children's Hospital of Eastern Ontario
Classification: Uncertain significance for Cardiomyopathy. Last evaluated: 2018-02-22. Review status: criteria provided, single submitter. Criteria: ACMG Guidelines, 2015. Collection method: clinical testing. Allele origin: germline.

CSER _CC_NCGL, University of Washington
Classification: Uncertain significance for Cardiomyopathy, hypertrophic. Last evaluated: 2014-06-01. Review status: no assertion criteria provided. Collection method: research. Allele origin: germline. Inheritance: Autosomal dominant inheritance. Study: ESP 6500 variant annotation. Not counted in ClinVar's aggregate classification.
Comment: Variants classified for the Actionable exomic incidental findings in 6503 participants: challenges of variant classification manuscript

Literature cited by the submitters: PubMed 16858239 (cited by 4 submitters); PubMed 22958901 (cited by Ambry Genetics); PubMed 18533079 (cited by Color Diagnostics, LLC DBA Color Health and All of Us Research Program, National Institutes of Health).

NM_000257.4(MYH7):c.4052C>T (p.Thr1351Met)

Gene: MYH7 (myosin heavy chain 7; minus strand). Cytogenetic location: 14q11.2.
Variant type: single nucleotide variant.
Coding change: c.4052C>T on transcript NM_000257.4 (MANE Select); coding-DNA position 4052, C replaced by T.
Protein change: p.Thr1351Met; replaces threonine 1351 with methionine.
Molecular consequence: missense variant.
Genome position (GRCh38, 1-based): chr14:23,418,327, G>A on the plus strand (C>T on the coding strand, the complement: MYH7 is on the minus strand). VCF-style: chr14-23418327-G-A. GRCh37 (hg19) VCF-style: chr14-23887536-G-A.
Other names: c.4052C>T (LRG_384t1); short protein forms T1351M.
Identifiers: ClinVar variation 161324 (VCV000161324.19), dbSNP rs370403289, ClinGen allele CA014388.